The following is an entry in ClinVar:

ClinVar aggregate classification (germline): Uncertain significance (1 of 4 stars; one submission).

Submission:

GeneDx
Classification: Uncertain significance. Last evaluated: 2024-09-06. Review status: criteria provided, single submitter. Criteria: GeneDx Variant Classification Process June 2021. Collection method: clinical testing. Allele origin: germline. Affected: yes.
Comment: Not observed at significant frequency in large population cohorts (gnomAD); In silico analysis indicates that this missense variant does not alter protein structure/function; Has not been previously published as pathogenic or benign to our knowledge

NM_031475.3(ESPN):c.1661C>T (p.Pro554Leu)

Gene: ESPN (espin; plus strand). Cytogenetic location: 1p36.31.
Variant type: single nucleotide variant.
Coding change: c.1661C>T on transcript NM_031475.3 (MANE Select); coding-DNA position 1661, C replaced by T.
Protein change: p.Pro554Leu; replaces proline 554 with leucine.
Molecular consequence: missense variant. On other transcripts: intron variant (2).
Genome position (GRCh38, 1-based): chr1:6,448,837, C>T. VCF-style: chr1-6448837-C-T. GRCh37 (hg19) VCF-style: chr1-6508897-C-T.
Other names: c.1626+35C>T (NM_001367474.1, NM_001367473.1); short protein forms P554L.
Identifiers: ClinVar variation 3767742 (VCV003767742.1).